The following is an entry in ClinVar:

ClinVar aggregate classification (germline): Uncertain significance (1 of 4 stars; one submission).

Submission:

GeneDx
Classification: Uncertain significance. Last evaluated: 2026-03-05. Review status: criteria provided, single submitter. Criteria: GeneDx Variant Classification Process June 2021. Collection method: clinical testing. Allele origin: germline.
Comment: Not observed at significant frequency in large population cohorts (gnomAD); In silico analysis supports that this missense variant has a deleterious effect on protein structure/function; Has not been previously published as pathogenic or benign to our knowledge

NM_022575.4(VPS16):c.2395G>T (p.Asp799Tyr)

Genes: PTPRA (protein tyrosine phosphatase receptor type A; plus strand), VPS16 (VPS16 core subunit of CORVET and HOPS complexes; plus strand). Cytogenetic location: 20p13.
Variant type: single nucleotide variant.
Coding change: c.2395G>T on transcript NM_022575.4 (MANE Select); coding-DNA position 2395, G replaced by T.
Protein change: p.Asp799Tyr; replaces aspartic acid 799 with tyrosine.
Molecular consequence: missense variant. On other transcripts: intron variant (1).
Genome position (GRCh38, 1-based): chr20:2,866,449, G>T. VCF-style: chr20-2866449-G-T. GRCh37 (hg19) VCF-style: chr20-2847095-G-T.
Other names: c.1963G>T, p.Asp655Tyr (NM_080413.3); c.-129+1132G>T (NM_002836.4); short protein forms D655Y, D799Y.
Identifiers: ClinVar variation 5008201 (VCV005008201.1).
Genomic context (GRCh38, chr20:2,866,449, plus strand): 5'-GAGCAGCCCCAACACCACCTCCTCTCTTGCTCAAACCACAGCGATGTGGCTCAGGCTGCA[G>T]ATGTGGCCATCGAACACCGGAATGAGGCTGAGCTGAGCCTCGTATTGTCCCACTGCACGG-3'
Protein context (NP_072097.2, residues 789-809): LLVGDVAQAA[Asp799Tyr]VAIEHRNEAE